The following is an entry in ClinVar:

NM_005560.6(LAMA5):c.9232C>A (p.Arg3078=)

Gene: LAMA5 (laminin subunit alpha 5; minus strand). Cytogenetic location: 20q13.33.
Variant type: single nucleotide variant.
Coding change: c.9232C>A on transcript NM_005560.6 (MANE Select); coding-DNA position 9232, C replaced by A.
Protein change: p.Arg3078=; no amino-acid change (arginine 3078 retained).
Molecular consequence: synonymous variant.
Genome position (GRCh38, 1-based): chr20:62,312,528, G>T on the plus strand (C>A on the coding strand, the complement: LAMA5 is on the minus strand). VCF-style: chr20-62312528-G-T. GRCh37 (hg19) VCF-style: chr20-60887584-G-T.
Identifiers: ClinVar variation 3043373 (VCV003043373.4), dbSNP rs369268267, ClinGen allele CA9940343.

ClinVar aggregate classification (germline): Likely benign. Review status: criteria provided, single submitter (1 of 4 stars). 2 submissions from 2 submitters: Likely benign (1). 1 of the submissions does not count toward it. Last evaluated 2024-03-18.

Conditions:
LAMA5-related disorder. Also called: LAMA5-Related Disorders; LAMA5-related condition.

Allele frequency attached by ClinVar (database versions not stated): gnomAD 0.00009; ESP Exome Variant Server 0.00031; ExAC 0.00037.
gnomAD v4.1: 225 of 1,599,062 alleles (0.014%); highest among the groups gnomAD compares: Non-Finnish European, 0.017%; 1 homozygote.

Submissions (2):

Labcorp Genetics (formerly Invitae), Labcorp
Classification: Likely benign. Last evaluated: 2024-03-18. Review status: criteria provided, single submitter. Criteria: Invitae Variant Classification Sherloc (09022015). Collection method: clinical testing. Allele origin: germline.

PreventionGenetics, part of Exact Sciences
Classification: Likely benign for LAMA5-related condition. Last evaluated: 2019-09-19. Review status: no assertion criteria provided. Collection method: clinical testing. Allele origin: germline. Not counted in ClinVar's aggregate classification.
Comment: This variant is classified as likely benign based on ACMG/AMP sequence variant interpretation guidelines (Richards et al. 2015 PMID: 25741868, with internal and published modifications).